The following is an entry in ClinVar:

NM_024675.4(PALB2):c.3023C>T (p.Pro1008Leu)

Gene: PALB2 (partner and localizer of BRCA2; minus strand). Cytogenetic location: 16p12.2.
Variant type: single nucleotide variant.
Coding change: c.3023C>T on transcript NM_024675.4 (MANE Select); coding-DNA position 3023, C replaced by T.
Protein change: p.Pro1008Leu; replaces proline 1008 with leucine.
Molecular consequence: missense variant.
Genome position (GRCh38, 1-based): chr16:23,621,452, G>A on the plus strand (C>T on the coding strand, the complement: PALB2 is on the minus strand). VCF-style: chr16-23621452-G-A. GRCh37 (hg19) VCF-style: chr16-23632773-G-A.
Other names: short protein forms P1008L.
Identifiers: ClinVar variation 410113 (VCV000410113.16), dbSNP rs1060502736, ClinGen allele CA16614849.

ClinVar aggregate classification (germline): Uncertain significance. Review status: criteria provided, multiple submitters, no conflicts (2 of 4 stars). 3 submissions from 3 submitters: Uncertain significance (3). Last evaluated 2025-08-25.

Conditions:
Familial cancer of breast. Also called: BREAST CANCER, FAMILIAL; Hereditary breast cancer; hereditary breast carcinoma. Identifiers: Orphanet 227535, MedGen C0346153, MONDO:0016419, OMIM 114480. Disease mechanism: loss of function.
Hereditary cancer-predisposing syndrome. Also called: Tumor predisposition; Hereditary Cancer Syndrome; Hereditary neoplastic syndrome; Neoplastic Syndromes, Hereditary. Identifiers: Orphanet 140162, MedGen C0027672, MeSH D009386, MONDO:0015356.

Submissions (3):

Labcorp Genetics (formerly Invitae), Labcorp
Classification: Uncertain significance for Familial cancer of breast. Last evaluated: 2025-08-25. Review status: criteria provided, single submitter. Criteria: Invitae Variant Classification Sherloc (09022015). Collection method: clinical testing. Allele origin: germline.
Comment: This sequence change replaces proline, which is neutral and non-polar, with leucine, which is neutral and non-polar, at codon 1008 of the PALB2 protein (p.Pro1008Leu). This variant is not present in population databases (gnomAD no frequency). This variant has not been reported in the literature in individuals affected with PALB2-related conditions. ClinVar contains an entry for this variant (Variation ID: 410113). Invitae Evidence Modeling of protein sequence and biophysical properties (such as structural, functional, and spatial information, amino acid conservation, physicochemical variation, residue mobility, and thermodynamic stability) indicates that this missense variant is expected to disrupt PALB2 protein function with a positive predictive value of 80%. In summary, the available evidence is currently insufficient to determine the role of this variant in disease. Therefore, it has been classified as a Variant of Uncertain Significance.

Ambry Genetics
Classification: Uncertain significance for Hereditary cancer-predisposing syndrome. Last evaluated: 2025-06-14. Review status: criteria provided, single submitter. Criteria: Ambry Variant Classification Scheme 2023. Collection method: clinical testing. Allele origin: germline.
Comment: The p.P1008L variant (also known as c.3023C>T), located in coding exon 10 of the PALB2 gene, results from a C to T substitution at nucleotide position 3023. The proline at codon 1008 is replaced by leucine, an amino acid with similar properties. This amino acid position is not well conserved in available vertebrate species. In addition, this alteration is predicted to be tolerated by in silico analysis. Since supporting evidence is limited at this time, the clinical significance of this alteration remains unclear.

Molecular Diagnostics Laboratory, Catalan Institute of Oncology
Classification: Uncertain significance for Hereditary cancer-predisposing syndrome. Last evaluated: 2025-04-22. Review status: criteria provided, single submitter. Criteria: ClinGen ACMG Specifications PALB2 V1.1.0. Collection method: clinical testing. Allele origin: germline.
Comment: PM2_Supporting, BP1 c.3023C>T, located in exon 10 of the PALB2 gene, is predicted to result in the substitution of Proline by Leucine at codon 1008, p.(Pro1008Leu) (BP1). It is not present in the population database gnomAD v2.1.1, non cancer dataset (PM2_supporting). The SpliceAI algorithm predicts no significant impact on splicing. To our knowledge, neither relevant clinical data nor well-stablished functional studies have been reported for this variant. It has been reported twice in ClinVar, as an uncertain significance variant. Based on the currently available information, c.3023C>T is classified as an uncertain significance variant according to ClinGen-PALB2 Guidelines version 1.1.